The following is an entry in ClinVar:

NM_006231.4(POLE):c.3452T>C (p.Leu1151Pro)

Gene: POLE (DNA polymerase epsilon, catalytic subunit; minus strand). Cytogenetic location: 12q24.33.
Variant type: single nucleotide variant.
Coding change: c.3452T>C on transcript NM_006231.4 (MANE Select); coding-DNA position 3452, T replaced by C.
Protein change: p.Leu1151Pro; replaces leucine 1151 with proline.
Molecular consequence: missense variant.
Genome position (GRCh38, 1-based): chr12:132,657,356, A>G on the plus strand (T>C on the coding strand, the complement: POLE is on the minus strand). VCF-style: chr12-132657356-A-G. GRCh37 (hg19) VCF-style: chr12-133233942-A-G.
Other names: short protein forms L1151P.
Identifiers: ClinVar variation 1035247 (VCV001035247.8), dbSNP rs2042567572, ClinGen allele CA387388967.

ClinVar aggregate classification (germline): Uncertain significance (1 of 4 stars; one submission).

Submission:

Labcorp Genetics (formerly Invitae), Labcorp
Classification: Uncertain significance. Last evaluated: 2022-09-23. Review status: criteria provided, single submitter. Criteria: Invitae Variant Classification Sherloc (09022015). Collection method: clinical testing. Allele origin: germline.
Comment: This variant is not present in population databases (gnomAD no frequency). This sequence change replaces leucine, which is neutral and non-polar, with proline, which is neutral and non-polar, at codon 1151 of the POLE protein (p.Leu1151Pro). This variant has not been reported in the literature in individuals affected with POLE-related conditions. In summary, the available evidence is currently insufficient to determine the role of this variant in disease. Therefore, it has been classified as a Variant of Uncertain Significance. Advanced modeling of protein sequence and biophysical properties (such as structural, functional, and spatial information, amino acid conservation, physicochemical variation, residue mobility, and thermodynamic stability) performed at Invitae indicates that this missense variant is expected to disrupt POLE protein function. ClinVar contains an entry for this variant (Variation ID: 1035247).